The following is an entry in ClinVar:

NM_007294.4(BRCA1):c.5228G>C (p.Gly1743Ala)

Gene: BRCA1 (BRCA1 DNA repair associated; minus strand). Cytogenetic location: 17q21.31.
Variant type: single nucleotide variant.
Coding change: c.5228G>C on transcript NM_007294.4 (MANE Select); coding-DNA position 5228, G replaced by C.
Protein change: p.Gly1743Ala; replaces glycine 1743 with alanine.
Molecular consequence: missense variant. On other transcripts: non-coding transcript variant (1).
Genome position (GRCh38, 1-based): chr17:43,057,101, C>G on the plus strand (G>C on the coding strand, the complement: BRCA1 is on the minus strand). VCF-style: chr17-43057101-C-G. GRCh37 (hg19) VCF-style: chr17-41209118-C-G.
Other names: c.5144G>C, p.Gly1715Ala (NM_001407662.1, NM_001407663.1, NM_001407661.1 and 2 more transcripts); c.5105G>C, p.Gly1702Ala (NM_001407664.1, NM_001407665.1, NM_001407666.1 and 6 more transcripts); c.5102G>C, p.Gly1701Ala (NM_001407680.1, NM_001407939.1, NM_001407940.1 and 10 more transcripts); c.5099G>C, p.Gly1700Ala (NM_001407681.1, NM_001407682.1, NM_001407683.1 and 6 more transcripts); c.5228G>C, p.Gly1743Ala (NM_001407684.1, NM_001407854.1, NM_001407593.1 and 7 more transcripts); c.5087G>C, p.Gly1696Ala (NM_001407725.1, NM_001407726.1, NM_001407727.1 and 13 more transcripts); c.5084G>C, p.Gly1695Ala (NM_001407732.1, NM_001407733.1, NM_001407744.1 and 21 more transcripts); c.5081G>C, p.Gly1694Ala (NM_001407849.1, NM_001407850.1, NM_001407851.1 and 12 more transcripts); and 72 more; short protein forms G1743A, G1696A, G1764A, G639A, G1446A, G1615A, G1631A, G1674A.
Identifiers: ClinVar variation 496391 (VCV000496391.20), dbSNP rs1346819781, ClinGen allele CA10591086.

ClinVar aggregate classification (germline): Uncertain significance. Review status: criteria provided, multiple submitters, no conflicts (2 of 4 stars). 5 submissions from 5 submitters: Uncertain significance (5). Last evaluated 2025-01-07.

Conditions:
Hereditary breast ovarian cancer syndrome. Also called: Breast and ovarian cancer; Hereditary breast and/or ovarian cancer syndrome; BRCA1- and BRCA2-Associated Hereditary Breast and Ovarian Cancer; Hereditary breast and ovarian cancer syndrome; Hereditary breast and ovarian cancer syndrome (HBOC); Hereditary breast and ovarian cancer. Identifiers: Orphanet 145, MedGen C0677776, MeSH D061325, MONDO:0003582. Disease mechanism: loss of function.
Hereditary cancer-predisposing syndrome. Also called: Tumor predisposition; Hereditary Cancer Syndrome; Hereditary neoplastic syndrome; Neoplastic Syndromes, Hereditary. Identifiers: Orphanet 140162, MedGen C0027672, MeSH D009386, MONDO:0015356.

Allele frequency attached by ClinVar (database versions not stated): gnomAD exomes below 0.00001; gnomAD 0.00002; TOPMed 0.00002.
gnomAD v4.1: 4 of 1,613,864 alleles (0.00025%); highest among the groups gnomAD compares: Admixed American, 0.005%; no homozygotes.

Submissions (6):

Women's Health and Genetics/Laboratory Corporation of America, LabCorp
Classification: Uncertain significance. Last evaluated: 2025-01-07. Review status: criteria provided, single submitter. Criteria: LabCorp Variant Classification Summary - May 2015. Collection method: clinical testing. Allele origin: germline.
Comment: Variant summary: BRCA1 c.5228G>C (p.Gly1743Ala) results in a non-conservative amino acid change located in the BRCT domain (IPR036420) of the encoded protein sequence. Four of five in-silico tools predict a damaging effect of the variant on protein function. The variant was absent in 251492 control chromosomes. The available data on variant occurrences in the general population are insufficient to allow any conclusion about variant significance. To our knowledge, no occurrence of c.5228G>C in individuals affected with Hereditary Breast And Ovarian Cancer Syndrome has been reported. At least one functional study reports experimental evidence evaluating an impact on protein function and showed an intermediate effect of this variant on homology directed repair (HDR) activity (e.g. Findlay_2018). HDR assays qualify as a recognized gold standard on the basis of updated guidance provided by the ClinGen Sequence Variant Interpretation (SVI) working group. The following publications have been ascertained in the context of this evaluation (PMID: 30765603, 30209399). ClinVar contains an entry for this variant (Variation ID: 496391). Based on the evidence outlined above, the variant was classified as uncertain significance.

Color Diagnostics, LLC DBA Color Health
Classification: Uncertain significance for Hereditary cancer-predisposing syndrome. Last evaluated: 2024-05-02. Review status: criteria provided, single submitter. Criteria: ACMG Guidelines, 2015. Collection method: clinical testing. Allele origin: germline.
Comment: This missense variant replaces glycine with alanine at codon 1743 of the BRCA1 protein. Computational prediction is inconclusive regarding the impact of this variant on protein structure and function. Functional studies are inconclusive on the impact of this variant on BRCA1 function. This variant was reported to have an intermediate impact on BRCA1 function in a haploid human cell proliferation assay (PMID: 30209399), and conflicting loss-of-function in a homology-directed repair assay and no impact in a cisplatin-resistance assay in ex vivo HeLa cells (PMID: 35196514). A functional study on transcription activation activity found that this protein was expressed at a lower level compared to the wild-type protein, but the specific activity of the expressed variant protein was similar to wild-type; the authors did not arrive at a definitive conclusion on the overall functional impact for this variant (PMID: 30765603), To our knowledge, this variant has not been reported in individuals affected with BRCA1-related disorders in the literature. This variant has not been identified in the general population by the Genome Aggregation Database (gnomAD). The available evidence is insufficient to determine the role of this variant in disease conclusively. Therefore, this variant is classified as a Variant of Uncertain Significance.

Labcorp Genetics (formerly Invitae), Labcorp
Classification: Uncertain significance for Hereditary breast ovarian cancer syndrome. Last evaluated: 2021-10-25. Review status: criteria provided, single submitter. Criteria: Invitae Variant Classification Sherloc (09022015). Collection method: clinical testing. Allele origin: germline.
Comment: This sequence change replaces glycine, which is neutral and non-polar, with alanine, which is neutral and non-polar, at codon 1743 of the BRCA1 protein (p.Gly1743Ala). In summary, the available evidence is currently insufficient to determine the role of this variant in disease. Therefore, it has been classified as a Variant of Uncertain Significance. Experimental studies are conflicting or provide insufficient evidence to determine the effect of this variant on BRCA1 function (PMID: 30209399). Advanced modeling of experimental studies (such as gene expression, population dynamics, functional pathways, and cell-cycle effects in cell culture) performed at Invitae indicates that this missense variant is expected to disrupt BRCA1 protein function. ClinVar contains an entry for this variant (Variation ID: 496391). This variant has not been reported in the literature in individuals affected with BRCA1-related conditions. This variant is not present in population databases (gnomAD no frequency).

Quest Diagnostics Nichols Institute San Juan Capistrano
Classification: Uncertain significance. Last evaluated: 2021-03-09. Review status: criteria provided, single submitter. Criteria: Quest Diagnostics criteria. Collection method: clinical testing. Allele origin: unknown.

GeneDx
Classification: Uncertain significance. Last evaluated: 2019-12-24. Review status: criteria provided, single submitter. Criteria: GeneDx Variant Classification Process June 2021. Collection method: clinical testing. Allele origin: germline. Affected: yes.
Comment: Not observed in large population cohorts (Lek 2016); In silico analysis, which includes protein predictors and evolutionary conservation, supports a deleterious effect; Also known as 5347G>C; This variant is associated with the following publications: (PMID: 30209399)

Brotman Baty Institute, University of Washington
No classification provided (evidence only). Condition: Breast-ovarian cancer, familial 1. Review status: no classification provided. Collection method: in vitro. Allele origin: not applicable. Functional consequence: function_uncertain_variant. Not counted in ClinVar's aggregate classification.
ClinVar note: "not provided" was previously submitted as the classification for the variant. However, the classification appeared to be based only on an observation of functional data so it was converted to no classification on 2025-07-30.

Literature cited by the submitters: PubMed 30209399 (cited by 4 submitters); PubMed 30765603 (cited by 3 submitters); PubMed 35196514 (cited by Color Diagnostics, LLC DBA Color Health).